The following is an entry in ClinVar:

NM_006031.6(PCNT):c.6205C>T (p.Gln2069Ter)

Gene: PCNT (pericentrin; plus strand). Cytogenetic location: 21q22.3.
Variant type: single nucleotide variant.
Coding change: c.6205C>T on transcript NM_006031.6 (MANE Select); coding-DNA position 6205, C replaced by T.
Protein change: p.Gln2069Ter; replaces glutamine 2069 with a stop codon.
Molecular consequence: nonsense.
Genome position (GRCh38, 1-based): chr21:46,416,123, C>T. VCF-style: chr21-46416123-C-T. GRCh37 (hg19) VCF-style: chr21-47836037-C-T.
Other names: c.5851C>T, p.Gln1951Ter (NM_001315529.2); short protein forms Q1951*, Q2069*.
Identifiers: ClinVar variation 3350204 (VCV003350204.4).
Genomic context (GRCh38, chr21:46,416,123, plus strand): 5'-CTGCAGGGTAAAGAAAAAGTACTGGAAGATTGTCAGCTGCCGAAGGTCGATCTCGTAGCT[C>T]AGGTGAAACAGCTTCAGGAAAAACTGAACCGTTTGCTGTATTCCATGACCTTCCAGAATG-3'

ClinVar aggregate classification (germline): Pathogenic/Likely pathogenic. Review status: criteria provided, multiple submitters, no conflicts (2 of 4 stars). 3 submissions from 3 submitters: Pathogenic (1); Likely pathogenic (1). 1 of the submissions does not count toward it. Last evaluated 2024-04-02.

Conditions:
PCNT-related disorder. Also called: PCNT-related condition.
Microcephalic osteodysplastic primordial dwarfism type II (MOPD2). Also called: MOPD II; OSTEODYSPLASTIC PRIMORDIAL DWARFISM, TYPE II; Microcephalic osteodysplastic primordial dwarfism with tooth abnormalities. Identifiers: Orphanet 2637, MedGen C0432246, MONDO:0008872, OMIM 210720.

gnomAD v4.1: 2 of 1,614,024 alleles (0.00012%); highest among the groups gnomAD compares: Admixed American, 0.0033%; no homozygotes.

Submissions (3):

Fulgent Genetics
Classification: Likely pathogenic for Microcephalic osteodysplastic primordial dwarfism type II. Last evaluated: 2024-04-02. Review status: criteria provided, single submitter. Criteria: ACMG Guidelines, 2015. Collection method: clinical testing. Allele origin: germline.

Labcorp Genetics (formerly Invitae), Labcorp
Classification: Pathogenic. Last evaluated: 2024-02-26. Review status: criteria provided, single submitter. Criteria: Invitae Variant Classification Sherloc (09022015). Collection method: clinical testing. Allele origin: germline.
Comment: This sequence change creates a premature translational stop signal (p.Gln2069*) in the PCNT gene. It is expected to result in an absent or disrupted protein product. Loss-of-function variants in PCNT are known to be pathogenic (PMID: 18174396, 22821869). This variant is not present in population databases (gnomAD no frequency). This variant has not been reported in the literature in individuals affected with PCNT-related conditions. For these reasons, this variant has been classified as Pathogenic.

PreventionGenetics, part of Exact Sciences
Classification: Likely pathogenic for PCNT-related condition. Last evaluated: 2024-03-06. Review status: no assertion criteria provided. Collection method: clinical testing. Allele origin: germline. Not counted in ClinVar's aggregate classification.
Comment: The PCNT c.6205C>T variant is predicted to result in premature protein termination (p.Gln2069*). To our knowledge, this variant has not been reported in the literature or in a large population database, indicating this variant is rare. Nonsense variants in PCNT are expected to be pathogenic. This variant is interpreted as likely pathogenic.

Literature cited by the submitters: PubMed 18174396 (cited by Labcorp Genetics (formerly Invitae), Labcorp); PubMed 22821869 (cited by Labcorp Genetics (formerly Invitae), Labcorp).